The following is an entry in ClinVar:

ClinVar aggregate classification (germline): Uncertain significance. Review status: criteria provided, multiple submitters, no conflicts (2 of 4 stars). 2 submissions from 2 submitters: Uncertain significance (2). Last evaluated 2025-03-26.

Conditions:
Psoriasis 2. Identifiers: MedGen C1864497, MONDO:0011269, OMIM 602723.
Pityriasis rubra pilaris (PRP). Also called: Pityriasis rubra pilaris--familial type. Identifiers: Orphanet 2897, MedGen C0032027, MONDO:0100017, OMIM 173200, MONDO:0008251.
Inborn genetic diseases. Identifiers: MedGen C0950123, MeSH D030342.

Allele frequency attached by ClinVar (database versions not stated): gnomAD exomes below 0.00001; gnomAD 0.00001; ExAC 0.00002; 1000 Genomes Project 30x 0.00016; 1000 Genomes Project 0.00020.
gnomAD v4.1: 2 of 1,612,360 alleles (0.00012%); highest among the groups gnomAD compares: East Asian, 0.0022%; no homozygotes.

Submissions (2):

Ambry Genetics
Classification: Uncertain significance for Inborn genetic diseases. Last evaluated: 2025-03-26. Review status: criteria provided, single submitter. Criteria: Ambry Variant Classification Scheme 2023. Collection method: clinical testing. Allele origin: germline.

Labcorp Genetics (formerly Invitae), Labcorp
Classification: Uncertain significance for Pityriasis rubra pilaris; Psoriasis 2. Last evaluated: 2021-06-18. Review status: criteria provided, single submitter. Criteria: Invitae Variant Classification Sherloc (09022015). Collection method: clinical testing. Allele origin: germline.
Comment: In summary, the available evidence is currently insufficient to determine the role of this variant in disease. Therefore, it has been classified as a Variant of Uncertain Significance. Algorithms developed to predict the effect of missense changes on protein structure and function are either unavailable or do not agree on the potential impact of this missense change (SIFT: "Tolerated"; PolyPhen-2: "Possibly Damaging"; Align-GVGD: "Class C0"). This variant has not been reported in the literature in individuals with CARD14-related conditions. This variant is present in population databases (rs569641889, ExAC 0.02%). This sequence change replaces serine with asparagine at codon 449 of the CARD14 protein (p.Ser449Asn). The serine residue is moderately conserved and there is a small physicochemical difference between serine and asparagine.

NM_001366385.1(CARD14):c.1346G>A (p.Ser449Asn)

Gene: CARD14 (caspase recruitment domain family member 14; plus strand). Cytogenetic location: 17q25.3.
Variant type: single nucleotide variant.
Coding change: c.1346G>A on transcript NM_001366385.1 (MANE Select); coding-DNA position 1346, G replaced by A.
Protein change: p.Ser449Asn; replaces serine 449 with asparagine.
Molecular consequence: missense variant. On other transcripts: non-coding transcript variant (1).
Genome position (GRCh38, 1-based): chr17:80,192,609, G>A. VCF-style: chr17-80192609-G-A. GRCh37 (hg19) VCF-style: chr17-78166408-G-A.
Other names: c.1346G>A, p.Ser449Asn (NM_001257970.1, NM_024110.4); c.635G>A, p.Ser212Asn (NM_052819.3); c.1346G>A (NM_024110.3); short protein forms S212N, S449N.
Identifiers: ClinVar variation 1442838 (VCV001442838.9), dbSNP rs569641889, ClinGen allele CA8816764.